The following is an entry in ClinVar:

NM_000257.4(MYH7):c.3973-12_3973-11del

Gene: MYH7 (myosin heavy chain 7; minus strand). Cytogenetic location: 14q11.2.
Variant type: Deletion.
Coding change: c.3973-12_3973-11del on transcript NM_000257.4 (MANE Select); 12 bases into the intron before coding-DNA position 3973 through 11 bases into the intron before coding-DNA position 3973, 2 bases deleted (AC; older notation c.3973-12_3973-11delAC).
Molecular consequence: intron variant.
Genome position (GRCh38, 1-based): chr14:23,418,417-23,418,418, GT deleted on the plus strand (AC on the coding strand, the reverse complement: MYH7 is on the minus strand); deleting any 2 consecutive bases within chr14:23,418,417-23,418,419 gives the same sequence; the c. name uses the placement nearest the transcript's 3' end. VCF-style (leftmost placement, unchanged base first): chr14-23418416-GGT-G. GRCh37 (hg19) VCF-style: chr14-23887625-GGT-G.
Other names: c.3973-12_3973-11delAC (NM_000257.4).
Identifiers: ClinVar variation 926087 (VCV000926087.4), dbSNP rs1892323960, ClinGen allele CA913188632.

ClinVar aggregate classification (germline): Likely benign. Review status: criteria provided, multiple submitters, no conflicts (2 of 4 stars). 3 submissions from 3 submitters: Likely benign (3). Last evaluated 2026-04-17.

Conditions:
Cardiomyopathy (CMYO). Also called: Cardiomyopathies. Identifiers: Orphanet 167848, MedGen C0878544, MONDO:0004994, HP:0001638. Inheritance: Various modes of inheritance.

Submissions (3):

Women's Health and Genetics/Laboratory Corporation of America, LabCorp
Classification: Likely benign. Last evaluated: 2026-04-17. Review status: criteria provided, single submitter. Criteria: LabCorp Variant Classification Summary - May 2015. Collection method: clinical testing. Allele origin: germline.
Comment: Variant summary: MYH7 c.3973-12_3973-11delAC alters a nucleotide located at a position not widely known to affect splicing. Consensus agreement among computation tools predict no significant impact on normal splicing. However, these predictions have yet to be confirmed by functional studies. The variant was absent in 231500 control chromosomes. The available data on variant occurrences in the general population are insufficient to allow any conclusion about variant significance. To our knowledge, no occurrence of c.3973-12_3973-11delAC in individuals affected with MYH7-related conditions and no experimental evidence demonstrating its impact on protein function have been reported. ClinVar contains an entry for this variant (Variation ID: 926087). Based on the evidence outlined above, the variant was classified as likely benign.

All of Us Research Program, National Institutes of Health
Classification: Likely benign for Cardiomyopathy. Last evaluated: 2023-09-17. Review status: criteria provided, single submitter. Criteria: ACMG Guidelines, 2015. Collection method: clinical testing. Allele origin: germline. Inheritance: Autosomal dominant inheritance. Observed: 1 variant allele, 1 heterozygote.
Comment: This study involves interpretation of variants in research participants for the purpose of population health screening. Participant phenotype was not available at the time of variant classification. Additional details can be found in publication PMID: 35346344, PMCID: PMC8962531

Color Diagnostics, LLC DBA Color Health
Classification: Likely benign for Cardiomyopathy. Last evaluated: 2018-11-14. Review status: criteria provided, single submitter. Criteria: ACMG Guidelines, 2015. Collection method: clinical testing. Allele origin: germline.